The following is an entry in ClinVar:

ClinVar aggregate classification (germline): Uncertain significance (1 of 4 stars; one submission).

Conditions:
Hereditary cancer-predisposing syndrome. Also called: Hereditary Cancer Syndrome; Tumor predisposition; Hereditary neoplastic syndrome; Neoplastic Syndromes, Hereditary. Identifiers: Orphanet 140162, MedGen C0027672, MeSH D009386, MONDO:0015356.

Submission:

Ambry Genetics
Classification: Uncertain significance for Hereditary cancer-predisposing syndrome. Last evaluated: 2024-12-06. Review status: criteria provided, single submitter. Criteria: Ambry Variant Classification Scheme 2023. Collection method: clinical testing. Allele origin: germline.
Comment: The p.L211F variant (also known as c.633G>T), located in coding exon 1 of the MET gene, results from a G to T substitution at nucleotide position 633. The leucine at codon 211 is replaced by phenylalanine, an amino acid with highly similar properties. This amino acid position is conserved. In addition, this alteration is predicted to be tolerated by in silico analysis. Based on the available evidence, the clinical significance of this variant remains unclear.

NM_000245.4(MET):c.633G>T (p.Leu211Phe)

Gene: MET (MET proto-oncogene, receptor tyrosine kinase; plus strand). Cytogenetic location: 7q31.2.
Variant type: single nucleotide variant.
Coding change: c.633G>T on transcript NM_000245.4 (MANE Select); coding-DNA position 633, G replaced by T.
Protein change: p.Leu211Phe; replaces leucine 211 with phenylalanine.
Molecular consequence: missense variant. On other transcripts: intron variant (1).
Genome position (GRCh38, 1-based): chr7:116,699,717, G>T. VCF-style: chr7-116699717-G-T. GRCh37 (hg19) VCF-style: chr7-116339771-G-T.
Other names: c.633G>T, p.Leu211Phe (NM_001127500.3, NM_001324401.3); c.-91+27140G>T (NM_001324402.2); short protein forms L211F.
Identifiers: ClinVar variation 3395212 (VCV003395212.1).